The following is an entry in ClinVar:

NM_006269.2(RP1):c.2037del (p.Ala680fs)

Gene: RP1 (RP1 axonemal microtubule associated; plus strand). Cytogenetic location: 8q12.1.
Variant type: Deletion.
Coding change: c.2037del on transcript NM_006269.2 (MANE Select); coding-DNA position 2037, one base deleted (A; older notation c.2037delA).
Protein change: p.Ala680fs; shifts the reading frame from alanine 680.
Molecular consequence: frameshift variant. On other transcripts: intron variant (1).
Genome position (GRCh38, 1-based): chr8:54,625,919, A deleted; the last of 2 consecutive A bases (chr8:54,625,918-54,625,919); deleting either gives the same sequence. VCF-style (leftmost placement, unchanged base first): chr8-54625917-CA-C. GRCh37 (hg19) VCF-style: chr8-55538477-CA-C.
Other names: c.787+3631del (NM_001375654.1); short protein forms A680fs.
Identifiers: ClinVar variation 2092199 (VCV002092199.4), dbSNP rs2536572966, ClinGen allele CA2580078490.
Genomic context (GRCh38, chr8:54,625,917, plus strand): 5'-AAAAATGAAAAGAAGATTTTGTCATCTGTTGCCAGCAAAAAGAAGAAAAAATCTCGACAG[CA>C]AGCAATAAATTCCAGGTATCAAGATGGACAGCTTGCAACCAAAGGAATTCTTAATAAGAA-3'

ClinVar aggregate classification (germline): Pathogenic (1 of 4 stars; one submission).

Submission:

Labcorp Genetics (formerly Invitae), Labcorp
Classification: Pathogenic. Last evaluated: 2022-03-09. Review status: criteria provided, single submitter. Criteria: Invitae Variant Classification Sherloc (09022015). Collection method: clinical testing. Allele origin: germline.
Comment: This variant is not present in population databases (gnomAD no frequency). For these reasons, this variant has been classified as Pathogenic. This variant disrupts the C-terminus of the RP1 protein. Many variants that disrupt this region have been reported in individuals with either autosomal dominant or autosomal recessive retinitis pigmentosa (PMID: 11527933, 19933189, 29425069, 30027431). Therefore, variants that disrupt this region are expected to be disease-causing. This premature translational stop signal has been observed in individual(s) with autosomal dominant retinitis pigmentosa (Invitae). This sequence change creates a premature translational stop signal (p.Ala680Glnfs*2) in the RP1 gene. While this is not anticipated to result in nonsense mediated decay, it is expected to disrupt the last 1477 amino acid(s) of the RP1 protein.

Literature cited by the submitters: PubMed 11527933; PubMed 19933189; PubMed 29425069; PubMed 30027431.